The following is an entry in ClinVar:

ClinVar aggregate classification (germline): Benign/Likely benign. Review status: criteria provided, multiple submitters, no conflicts (2 of 4 stars). 3 submissions from 3 submitters: Benign (1); Likely benign (1). 1 of the submissions does not count toward it. Last evaluated 2019-08-08.

Submissions (3):

GeneDx
Classification: Benign. Last evaluated: 2019-08-08. Review status: criteria provided, single submitter. Criteria: GeneDx Variant Classification Process June 2021. Collection method: clinical testing. Allele origin: germline. Affected: yes.

Genetic Services Laboratory, University of Chicago
Classification: Likely benign. Last evaluated: 2016-04-29. Review status: criteria provided, single submitter. Criteria: ACMG Guidelines, 2015. Collection method: clinical testing. Allele origin: germline. Affected: no.

Laboratory for Molecular Medicine, Mass General Brigham Personalized Medicine
No classification provided. Last evaluated: 2014-07-10. Review status: no classification provided. Collection method: clinical testing. Allele origin: germline. Observed: 15 variant alleles. Not counted in ClinVar's aggregate classification.
Comment: 756-11_756-10delCT in intron 7 of LDB3: This variant is not expected to have clinical significance because it is not located in the conserved +/- 1, 2 region of the splicing consensus sequence. This variant is listed in dbSNP (rs56193959) without frequency information.

NM_007078.3(LDB3):c.896+6669TC[13]

Gene: LDB3 (LIM domain binding 3; plus strand). Cytogenetic location: 10q23.2.
Variant type: Microsatellite.
Coding change: c.896+6669TC[13] on transcript NM_007078.3 (MANE Select); 13 copies in a row of the 2-base unit TC starting at c.896+6669.
Molecular consequence: intron variant.
Genome position: GRCh38 VCF-style: chr10-86699239-TTC-T. GRCh37 (hg19) VCF-style: chr10-88458996-TTC-T.
Other names: c.756-11_756-10delCT (NM_001080116.1); c.896+6669TC[13] (NM_001368064.1, NM_001368065.1); c.897-38TC[13] (NM_001368063.1, NM_001080115.2); c.756-38TC[13] (NM_001368068.1, NM_001368067.1, NM_001080116.1); c.1100+6669TC[13] (NM_001171610.2); c.755+6669TC[13] (NM_001368066.1, NM_001080114.2); c.1101-38TC[13] (NM_001171611.2); c.756-11_756-10del (NM_001080116.1).
Identifiers: ClinVar variation 43881 (VCV000043881.12), dbSNP rs71019410, ClinGen allele CA133087.